The following is an entry in ClinVar:

ClinVar aggregate classification (germline): Likely benign. Review status: criteria provided, multiple submitters, no conflicts (2 of 4 stars). 6 submissions from 6 submitters: Likely benign (5). 1 of the submissions does not count toward it. Last evaluated 2025-02-16.

Conditions:
Inborn genetic diseases. Identifiers: MedGen C0950123, MeSH D030342.
Spinocerebellar ataxia type 42. Identifiers: Orphanet 458803, MedGen C4225205, MONDO:0014776, OMIM 616795.
Spinocerebellar ataxia 42, early-onset, severe, with neurodevelopmental deficits. Identifiers: MedGen C4748120, MONDO:0060758, OMIM 618087.

Allele frequency attached by ClinVar (database versions not stated): gnomAD 0.00009; TOPMed 0.00019.
gnomAD v4.1: 237 of 1,613,518 alleles (0.015%); highest among the groups gnomAD compares: Non-Finnish European, 0.019%; no homozygotes.

Submissions (6):

Laboratory of Genetics, Children's Clinical University Hospital Latvia
Classification: Likely benign. Last evaluated: 2025-02-16. Review status: criteria provided, single submitter. Criteria: ACMG Guidelines, 2015. Collection method: clinical testing. Allele origin: germline. Affected: yes.

Blueprint Genetics
Classification: Likely benign. Last evaluated: 2024-04-25. Review status: criteria provided, single submitter. Criteria: ACMG Guidelines, 2015. Collection method: clinical testing. Allele origin: germline.

CeGaT Center for Human Genetics Tuebingen
Classification: Likely benign. Last evaluated: 2023-08-01. Review status: criteria provided, single submitter. Criteria: CeGaT Center For Human Genetics Tuebingen Variant Classification Criteria Version 2. Collection method: clinical testing. Allele origin: germline. Affected: yes. Observed: 2 variant alleles.
Comment: CACNA1G: BS2

Labcorp Genetics (formerly Invitae), Labcorp
Classification: Likely benign. Last evaluated: 2022-09-21. Review status: criteria provided, single submitter. Criteria: Invitae Variant Classification Sherloc (09022015). Collection method: clinical testing. Allele origin: germline.

Ambry Genetics
Classification: Likely benign for Inborn genetic diseases. Last evaluated: 2022-05-04. Review status: criteria provided, single submitter. Criteria: Ambry Variant Classification Scheme 2023. Collection method: clinical testing. Allele origin: germline.

Diagnostics Centre, Carl Von Ossietzky University Oldenburg
Classification: Uncertain significance for Spinocerebellar ataxia type 42; Spinocerebellar ataxia 42, early-onset, severe, with neurodevelopmental deficits. Last evaluated: 2025-04-01. Review status: no assertion criteria provided. Collection method: clinical testing. Allele origin: germline. Affected: yes. Observed: 1 variant allele. Not counted in ClinVar's aggregate classification.
Comment: The variant CACNA1G:c.3569G>C p.Arg1190Pro, located in the coding exon 17 of CACNA1G gene, results from a guanine to cytosine substitution at nucleotide position c.1190. The arginine residue at protein position 1190 is replaced by a proline. This variant is classified as rare in the overall population (MAF 1.4 * e-4 in gnomAD, v4.1.0). The variant has been classified as likely benign on three entries in ClinVar (ClinVar ID: 808296). In summary, the variant is classified as variant of uncertain significance.

NM_018896.5(CACNA1G):c.3569G>C (p.Arg1190Pro)

Gene: CACNA1G (calcium voltage-gated channel subunit alpha1 G; plus strand). Cytogenetic location: 17q21.33.
Variant type: single nucleotide variant.
Coding change: c.3569G>C on transcript NM_018896.5 (MANE Select); coding-DNA position 3569, G replaced by C.
Protein change: p.Arg1190Pro; replaces arginine 1190 with proline.
Molecular consequence: missense variant. On other transcripts: non-coding transcript variant (5).
Genome position (GRCh38, 1-based): chr17:50,599,738, G>C. VCF-style: chr17-50599738-G-C. GRCh37 (hg19) VCF-style: chr17-48677099-G-C.
Other names: c.3569G>C, p.Arg1190Pro (NM_001256333.2, NM_001256334.2, NM_001256359.2 and 16 more transcripts); c.3500G>C, p.Arg1167Pro (NM_198376.3, NM_198379.3, NM_001256332.2 and 5 more transcripts); c.3569G>C (NM_018896.3); short protein forms R1167P, R1190P.
Identifiers: ClinVar variation 808296 (VCV000808296.50), dbSNP rs199761120, ClinGen allele CA8652747.